The following is an entry in ClinVar:

NM_007294.4(BRCA1):c.3442G>T (p.Glu1148Ter)

Genes: BRCA1 (BRCA1 DNA repair associated; minus strand), LOC126862571 (BRD4-independent group 4 enhancer GRCh37_chr17:41243136-41244335; plus strand). Cytogenetic location: 17q21.31.
Variant type: single nucleotide variant.
Coding change: c.3442G>T on transcript NM_007294.4 (MANE Select); coding-DNA position 3442, G replaced by T.
Protein change: p.Glu1148Ter; replaces glutamic acid 1148 with a stop codon.
Molecular consequence: nonsense. On other transcripts: intron variant (135).
Genome position (GRCh38, 1-based): chr17:43,092,089, C>A on the plus strand (G>T on the coding strand, the complement: BRCA1 is on the minus strand). VCF-style: chr17-43092089-C-A. GRCh37 (hg19) VCF-style: chr17-41244106-C-A.
Other names: c.3229G>T, p.Glu1077Ter (NM_001407571.1, NM_001407853.1, NM_001407894.1 and 9 more transcripts); c.3442G>T, p.Glu1148Ter (NM_001407581.1, NM_001407582.1, NM_001407583.1 and 30 more transcripts); c.3439G>T, p.Glu1147Ter (NM_001407587.1, NM_001407590.1, NM_001407591.1 and 22 more transcripts); c.3433G>T, p.Glu1145Ter (NM_001407646.1, NM_001407647.1); c.3319G>T, p.Glu1107Ter (NM_001407648.1, NM_001407664.1, NM_001407665.1 and 19 more transcripts); c.3316G>T, p.Glu1106Ter (NM_001407649.1, NM_001407670.1, NM_001407671.1 and 11 more transcripts); c.3364G>T, p.Glu1122Ter (NM_001407653.1, NM_001407654.1, NM_001407655.1 and 4 more transcripts); c.3361G>T, p.Glu1121Ter (NM_001407659.1, NM_001407660.1, NM_001407661.1 and 1 more transcripts); and 41 more; short protein forms E1148*, E1101*, E1036*, E1060*, E1081*, E1122*, E852*, E1020*.
Identifiers: ClinVar variation 254427 (VCV000254427.4), dbSNP rs886038012, ClinGen allele CA10586631.

ClinVar aggregate classification (germline): Pathogenic (3 of 4 stars; one submission).

Conditions:
Breast-ovarian cancer, familial, susceptibility to, 1 (BROVCA1). Also called: BRCA1 Hereditary Breast and Ovarian Cancer; OVARIAN CANCER, SUSCEPTIBILITY TO. Identifiers: Orphanet 145, MedGen C2676676, MONDO:0011450, OMIM 604370. Disease mechanism: loss of function.

Submission:

Evidence-based Network for the Interpretation of Germline Mutant Alleles (ENIGMA)
Classification: Pathogenic for Breast-ovarian cancer, familial, susceptibility to, 1. Last evaluated: 2016-09-08. Review status: reviewed by expert panel. Criteria: ENIGMA BRCA1/2 Classification Criteria (2015). Collection method: curation. Allele origin: germline.
Comment: Variant allele predicted to encode a truncated non-functional protein.